The following is an entry in ClinVar:

ClinVar aggregate classification (germline): Likely pathogenic (1 of 4 stars; one submission).

Conditions:
Pyridoxine-dependent epilepsy (EPEO4). Also called: Pyridoxine-Dependent Epilepsy - ALDH7A1; PYRIDOXINE DEPENDENCY WITH SEIZURES; EPILEPSY, EARLY-ONSET, 4, VITAMIN B6-DEPENDENT; Pyridoxine-Dependent Seizures. Identifiers: Orphanet 3006, MedGen C1849508, MONDO:0009945, OMIM 266100. Disease mechanism: loss of function.

Submission:

Labcorp Genetics (formerly Invitae), Labcorp
Classification: Likely pathogenic for Pyridoxine-dependent epilepsy. Last evaluated: 2023-12-19. Review status: criteria provided, single submitter. Criteria: Invitae Variant Classification Sherloc (09022015). Collection method: clinical testing. Allele origin: germline.
Comment: This sequence change affects an acceptor splice site in intron 6 of the ALDH7A1 gene. It is expected to disrupt RNA splicing. Variants that disrupt the donor or acceptor splice site typically lead to a loss of protein function (PMID: 16199547), and loss-of-function variants in ALDH7A1 are known to be pathogenic (PMID: 16491085, 20554659). This variant is not present in population databases (gnomAD no frequency). This variant has not been reported in the literature in individuals affected with ALDH7A1-related conditions. Algorithms developed to predict the effect of sequence changes on RNA splicing suggest that this variant may disrupt the consensus splice site. In summary, the currently available evidence indicates that the variant is pathogenic, but additional data are needed to prove that conclusively. Therefore, this variant has been classified as Likely Pathogenic.

Literature cited by the submitters: PubMed 16199547; PubMed 16491085; PubMed 20554659.

NM_001182.5(ALDH7A1):c.651-2A>G

Gene: ALDH7A1 (aldehyde dehydrogenase 7 family member A1; minus strand). Cytogenetic location: 5q23.2.
Variant type: single nucleotide variant.
Coding change: c.651-2A>G on transcript NM_001182.5 (MANE Select); the canonical splice acceptor site of the intron before coding-DNA position 651, A replaced by G.
Molecular consequence: splice acceptor variant.
Genome position (GRCh38, 1-based): chr5:126,575,466, T>C on the plus strand (A>G on the coding strand, the complement: ALDH7A1 is on the minus strand). VCF-style: chr5-126575466-T-C. GRCh37 (hg19) VCF-style: chr5-125911158-T-C.
Other names: c.651-2A>G (NM_001202404.2); c.567-2A>G (NM_001201377.2).
Identifiers: ClinVar variation 2704215 (VCV002704215.4), dbSNP rs1047486988, ClinGen allele CA360730451.